The following is an entry in ClinVar:

NM_000088.4(COL1A1):c.1471G>A (p.Gly491Ser)

Gene: COL1A1 (collagen type I alpha 1 chain; minus strand). Cytogenetic location: 17q21.33.
Variant type: single nucleotide variant.
Coding change: c.1471G>A on transcript NM_000088.4 (MANE Select); coding-DNA position 1471, G replaced by A.
Protein change: p.Gly491Ser; replaces glycine 491 with serine.
Molecular consequence: missense variant.
Genome position (GRCh38, 1-based): chr17:50,194,617, C>T on the plus strand (G>A on the coding strand, the complement: COL1A1 is on the minus strand). VCF-style: chr17-50194617-C-T. GRCh37 (hg19) VCF-style: chr17-48271978-C-T.
Other names: short protein forms G491S.
Identifiers: ClinVar variation 1364729 (VCV001364729.7), dbSNP rs72648348, ClinGen allele CA400217499.
Genomic context (GRCh38, chr17:50,194,617, plus strand): 5'-CGCAAGGAGAGGTTACCTTGGGACCAGCAACACCATCTGCGCCAGGGAAACCACGGCTAC[C>T]AGGTCCACCCTGCAGGAGGAGAGGAGGCCAGTGAACTCCGCGACACACAGGCACCAGCCA-3'
Protein context (NP_000079.2, residues 481-501): PGPPGERGGP[Gly491Ser]SRGFPGADGV

ClinVar aggregate classification (germline): Pathogenic. Review status: criteria provided, multiple submitters, no conflicts (2 of 4 stars). 2 submissions from 2 submitters: Pathogenic (2). Last evaluated 2025-06-18.

Conditions:
Osteogenesis imperfecta type III (OI3). Also called: Osteogenesis imperfecta type 3; OI type 3; Osteogenesis imperfecta, progressively deforming with normal sclerae; OI type III; Progressively Deforming Osteogenesis Imperfecta. Identifiers: Orphanet 216812, Orphanet 666, MedGen C0268362, MONDO:0009804, OMIM 259420.
Osteogenesis imperfecta type I (OI1). Also called: Lobstein's Disease; OI, TYPE I; OSTEOGENESIS IMPERFECTA TARDA; OSTEOGENESIS IMPERFECTA WITH BLUE SCLERAE; Osteogenesis imperfecta type 1; Lobstein disease. Identifiers: Orphanet 216796, Orphanet 666, MedGen C0023931, MONDO:0008146, OMIM 166200. Disease mechanism: loss of function.

Submissions (2):

Clinical Biomedical Laboratory, Shriners Hospital For Children - Canada
Classification: Pathogenic for Osteogenesis imperfecta type III. Last evaluated: 2025-06-18. Review status: criteria provided, single submitter. Criteria: ACMG Guidelines, 2015. Collection method: clinical testing. Allele origin: germline. Affected: yes.
Comment: This variant is predicted to substitute a glycine residue by a serine residue in the alpha 2 chain of collagen type I. Glycine substitutions in the triple helical domain of collagen type I cause disruption in the formation of the triple helix in the collagen molecule and are a typical cause of osteogenesis imperfecta. This variant is absent from the Genome Aggregation Database (v2.1.1). The variant is predicted to be deleterious to protein function (Revel 0.97). This variant has been reported in the literature as a cause of osteogenesis imperfecta (PMID 30886339).

Labcorp Genetics (formerly Invitae), Labcorp
Classification: Pathogenic for Osteogenesis imperfecta type I. Last evaluated: 2023-12-11. Review status: criteria provided, single submitter. Criteria: Invitae Variant Classification Sherloc (09022015). Collection method: clinical testing. Allele origin: germline.
Comment: This sequence change replaces glycine, which is neutral and non-polar, with serine, which is neutral and polar, at codon 491 of the COL1A1 protein (p.Gly491Ser). This variant is not present in population databases (gnomAD no frequency). This missense change has been observed in individual(s) with osteogenesis imperfecta (PMID: 22753364, 30886339, 31236376, 31414283). ClinVar contains an entry for this variant (Variation ID: 1364729). Advanced modeling of protein sequence and biophysical properties (such as structural, functional, and spatial information, amino acid conservation, physicochemical variation, residue mobility, and thermodynamic stability) performed at Invitae indicates that this missense variant is expected to disrupt COL1A1 protein function with a positive predictive value of 95%. This variant disrupts the triple helix domain of COL1A1. Glycine residues within the Gly-Xaa-Yaa repeats of the triple helix domain are required for the structure and stability of fibrillar collagens (PMID: 7695699, 8218237, 19344236). In COL1A1, variants affecting these glycine residues are significantly enriched in individuals with disease (PMID: 9016532, 17078022) compared to the general population (ExAC). For these reasons, this variant has been classified as Pathogenic.

Literature cited by the submitters: PubMed 30886339 (cited by Clinical Biomedical Laboratory, Shriners Hospital For Children - Canada and Labcorp Genetics (formerly Invitae), Labcorp); PubMed 22753364 (cited by Labcorp Genetics (formerly Invitae), Labcorp); PubMed 31236376 (cited by Labcorp Genetics (formerly Invitae), Labcorp); PubMed 31414283 (cited by Labcorp Genetics (formerly Invitae), Labcorp); PubMed 7695699 (cited by Labcorp Genetics (formerly Invitae), Labcorp); PubMed 8218237 (cited by Labcorp Genetics (formerly Invitae), Labcorp); PubMed 19344236 (cited by Labcorp Genetics (formerly Invitae), Labcorp); PubMed 9016532 (cited by Labcorp Genetics (formerly Invitae), Labcorp); PubMed 17078022 (cited by Labcorp Genetics (formerly Invitae), Labcorp).